The following is an entry in ClinVar:

NM_004360.5(CDH1):c.399T>G (p.Ser133=)

Gene: CDH1 (cadherin 1; plus strand). Cytogenetic location: 16q22.1.
Variant type: single nucleotide variant.
Coding change: c.399T>G on transcript NM_004360.5 (MANE Select); coding-DNA position 399, T replaced by G.
Protein change: p.Ser133=; no amino-acid change (serine 133 retained).
Molecular consequence: synonymous variant. On other transcripts: 5 prime UTR variant (2).
Genome position (GRCh38, 1-based): chr16:68,808,435, T>G. VCF-style: chr16-68808435-T-G. GRCh37 (hg19) VCF-style: chr16-68842338-T-G.
Other names: c.399T>G, p.Ser133= (NM_001317184.2); c.-1217T>G (NM_001317185.2); c.-1421T>G (NM_001317186.2).
Identifiers: ClinVar variation 1618819 (VCV001618819.9), dbSNP rs1801024, ClinGen allele CA496152742.
Genomic context (GRCh38, chr16:68,808,435, plus strand): 5'-TATCCGTCTTGAATTGTCTTATCTTGTTCCTCATCTTCTTTCCTTTTAGGCCTCCGTTTC[T>G]GGAATCCAAGCAGAATTGCTCACATTTCCCAACTCCTCTCCTGGCCTCAGAAGACAGAAG-3'
Protein context (NP_004351.1, residues 123-143): HRPPPHQASV[Ser133=]GIQAELLTFP

ClinVar aggregate classification (germline): Benign/Likely benign. Review status: criteria provided, multiple submitters, no conflicts (2 of 4 stars). 2 submissions from 2 submitters: Benign (1); Likely benign (1). Last evaluated 2025-12-29.

Conditions:
Hereditary diffuse gastric adenocarcinoma (HDGC). Also called: DIFFUSE GASTRIC AND LOBULAR BREAST CANCER SYNDROME. Identifiers: Orphanet 26106, MedGen C1708349, MONDO:0007648, OMIM 137215.

Submissions (2):

Labcorp Genetics (formerly Invitae), Labcorp
Classification: Likely benign for Hereditary diffuse gastric adenocarcinoma. Last evaluated: 2025-12-29. Review status: criteria provided, single submitter. Criteria: Invitae Variant Classification Sherloc (09022015). Collection method: clinical testing. Allele origin: germline.

Myriad Genetics, Inc.
Classification: Benign for Hereditary diffuse gastric adenocarcinoma. Last evaluated: 2024-09-12. Review status: criteria provided, single submitter. Criteria: Myriad Autosomal Dominant, Autosomal Recessive and X-Linked Classification Criteria (2023). Collection method: clinical testing. Allele origin: unknown.
Comment: This variant is considered benign. This variant is a silent/synonymous amino acid change and it is not expected to impact splicing.